The following is an entry in ClinVar:

NM_003036.4(SKI):c.982C>T (p.Pro328Ser)

Gene: SKI (SKI proto-oncogene; plus strand). Cytogenetic location: 1p36.32.
Variant type: single nucleotide variant.
Coding change: c.982C>T on transcript NM_003036.4 (MANE Select); coding-DNA position 982, C replaced by T.
Protein change: p.Pro328Ser; replaces proline 328 with serine.
Molecular consequence: missense variant.
Genome position (GRCh38, 1-based): chr1:2,302,990, C>T. VCF-style: chr1-2302990-C-T. GRCh37 (hg19) VCF-style: chr1-2234429-C-T.
Other names: short protein forms P328S.
Identifiers: ClinVar variation 3378142 (VCV003378142.2).

ClinVar aggregate classification (germline): Uncertain significance. Review status: criteria provided, multiple submitters, no conflicts (2 of 4 stars). 2 submissions from 2 submitters: Uncertain significance (2). Last evaluated 2025-03-19.

Conditions:
Shprintzen-Goldberg syndrome (SGS). Also called: SHPRINTZEN-GOLDBERG CRANIOSYNOSTOSIS SYNDROME; CRANIOSYNOSTOSIS WITH ARACHNODACTYLY AND ABDOMINAL HERNIAS; Marfanoid disorder with craniosynostosis type 1; Marfanoid craniosynostosis syndrome; Shprintzen-Goldberg marfanoid syndrome. Identifiers: Orphanet 2462, MedGen C1321551, MONDO:0008426, OMIM 182212.

gnomAD v4.1: 3 of 1,613,582 alleles (0.00019%); highest among the groups gnomAD compares: African/African-American, 0.0013%; no homozygotes.

Submissions (2):

Labcorp Genetics (formerly Invitae), Labcorp
Classification: Uncertain significance for Shprintzen-Goldberg syndrome. Last evaluated: 2025-03-19. Review status: criteria provided, single submitter. Criteria: Invitae Variant Classification Sherloc (09022015). Collection method: clinical testing. Allele origin: germline.
Comment: This sequence change replaces proline, which is neutral and non-polar, with serine, which is neutral and polar, at codon 328 of the SKI protein (p.Pro328Ser). This variant is not present in population databases (gnomAD no frequency). This variant has not been reported in the literature in individuals affected with SKI-related conditions. ClinVar contains an entry for this variant (Variation ID: 3378142). Invitae Evidence Modeling of protein sequence and biophysical properties (such as structural, functional, and spatial information, amino acid conservation, physicochemical variation, residue mobility, and thermodynamic stability) indicates that this missense variant is not expected to disrupt SKI protein function with a negative predictive value of 95%. In summary, the available evidence is currently insufficient to determine the role of this variant in disease. Therefore, it has been classified as a Variant of Uncertain Significance.

GeneDx
Classification: Uncertain significance. Last evaluated: 2024-05-02. Review status: criteria provided, single submitter. Criteria: GeneDx Variant Classification Process June 2021. Collection method: clinical testing. Allele origin: germline. Affected: yes.
Comment: Not observed at significant frequency in large population cohorts (gnomAD); In silico analysis indicates that this missense variant does not alter protein structure/function; Has not been previously published as pathogenic or benign to our knowledge